The following is an entry in ClinVar:

ClinVar aggregate classification (germline): Conflicting classifications of pathogenicity. Review status: criteria provided, conflicting classifications (1 of 4 stars). 3 submissions from 3 submitters: Uncertain significance (2); Likely benign (1). Last evaluated 2025-12-21.

Conditions:
EP300-related disorder. Also called: EP300-related condition; EP300-related disorders.
Rubinstein-Taybi syndrome due to EP300 haploinsufficiency. Also called: EP300-Related Rubinstein-Taybi Syndrome; RUBINSTEIN-TAYBI SYNDROME 2. Identifiers: Orphanet 353284, Orphanet 783, MedGen C3150941, MONDO:0013364, OMIM 613684.

Allele frequency attached by ClinVar (database versions not stated): gnomAD exomes 0.00001; ExAC 0.00002.
gnomAD v4.1: 4 of 1,614,050 alleles (0.00025%); highest among the groups gnomAD compares: Admixed American, 0.0033%; no homozygotes.

Submissions (3):

Labcorp Genetics (formerly Invitae), Labcorp
Classification: Likely benign for Rubinstein-Taybi syndrome due to EP300 haploinsufficiency. Last evaluated: 2025-12-21. Review status: criteria provided, single submitter. Criteria: Invitae Variant Classification Sherloc (09022015). Collection method: clinical testing. Allele origin: germline.

PreventionGenetics, part of Exact Sciences
Classification: Uncertain significance for EP300-related condition. Last evaluated: 2025-08-20. Review status: criteria provided, single submitter. Criteria: ACMG Guidelines, 2015. Collection method: clinical testing. Allele origin: germline.
Comment: The EP300 c.2975C>A variant is predicted to result in the amino acid substitution p.Thr992Asn. To our knowledge, this variant has not been reported in the literature. This variant is reported in 0.0029% of alleles in individuals of Latino descent in gnomAD. At this time, the clinical significance of this variant is uncertain due to the absence of conclusive functional and genetic evidence.

GeneDx
Classification: Uncertain significance. Last evaluated: 2019-10-02. Review status: criteria provided, single submitter. Criteria: GeneDx Variant Classification Process June 2021. Collection method: clinical testing. Allele origin: germline. Affected: yes.
Comment: In silico analysis, which includes protein predictors and evolutionary conservation, supports that this variant does not alter protein structure/function; Has not been previously published as pathogenic or benign to our knowledge

NM_001429.4(EP300):c.2975C>A (p.Thr992Asn)

Genes: EP300 (EP300 lysine acetyltransferase; plus strand), LOC126863158 (BRD4-independent group 4 enhancer GRCh37_chr22:41547383-41548582; plus strand). Cytogenetic location: 22q13.2.
Variant type: single nucleotide variant.
Coding change: c.2975C>A on transcript NM_001429.4 (MANE Select); coding-DNA position 2975, C replaced by A.
Protein change: p.Thr992Asn; replaces threonine 992 with asparagine.
Molecular consequence: missense variant.
Genome position (GRCh38, 1-based): chr22:41,151,990, C>A. VCF-style: chr22-41151990-C-A. GRCh37 (hg19) VCF-style: chr22-41547994-C-A.
Other names: c.2897C>A, p.Thr966Asn (NM_001362843.2); short protein forms T966N, T992N.
Identifiers: ClinVar variation 1308900 (VCV001308900.6), dbSNP rs760974878, ClinGen allele CA10253003.
Genomic context (GRCh38, chr22:41,151,990, plus strand): 5'-CTTCCCAGGAAGTGAAGATGGAGGCCAAAATGGAAGTGGATCAACCAGAACCAGCAGATA[C>A]TCAGCCGGAGGATATTTCAGAGGTGAGAGTAGGGCAATTACTGTTTGATTTGGTTAGGAC-3'
Protein context (NP_001420.2, residues 982-1002): MEVDQPEPAD[Thr992Asn]QPEDISESKV